The following is an entry in ClinVar:

NM_004360.5(CDH1):c.736A>G (p.Met246Val)

Gene: CDH1 (cadherin 1; plus strand). Cytogenetic location: 16q22.1.
Variant type: single nucleotide variant.
Coding change: c.736A>G on transcript NM_004360.5 (MANE Select); coding-DNA position 736, A replaced by G.
Protein change: p.Met246Val; replaces methionine 246 with valine.
Molecular consequence: missense variant. On other transcripts: 5 prime UTR variant (2).
Genome position (GRCh38, 1-based): chr16:68,810,245, A>G. VCF-style: chr16-68810245-A-G. GRCh37 (hg19) VCF-style: chr16-68844148-A-G.
Other names: c.736A>G (NM_004360.4); c.736A>G, p.Met246Val (NM_001317184.2); c.-880A>G (NM_001317185.2); c.-1084A>G (NM_001317186.2); short protein forms M246V.
Identifiers: ClinVar variation 963820 (VCV000963820.13), dbSNP rs1960781848, ClinGen allele CA396458520.

ClinVar aggregate classification (germline): Uncertain significance. Review status: criteria provided, multiple submitters, no conflicts (2 of 4 stars). 4 submissions from 4 submitters: Uncertain significance (3). 1 of the submissions does not count toward it. Last evaluated 2024-03-15.

Conditions:
CDH1-related disorder. Also called: CDH1-related condition.
Hereditary diffuse gastric adenocarcinoma (HDGC). Also called: DIFFUSE GASTRIC AND LOBULAR BREAST CANCER SYNDROME. Identifiers: Orphanet 26106, MedGen C1708349, MONDO:0007648, OMIM 137215.
Hereditary cancer-predisposing syndrome. Also called: Hereditary neoplastic syndrome; Tumor predisposition; Neoplastic Syndromes, Hereditary; Hereditary Cancer Syndrome. Identifiers: Orphanet 140162, MedGen C0027672, MeSH D009386, MONDO:0015356.

Submissions (4):

Labcorp Genetics (formerly Invitae), Labcorp
Classification: Uncertain significance for Hereditary diffuse gastric adenocarcinoma. Last evaluated: 2024-03-15. Review status: criteria provided, single submitter. Criteria: Invitae Variant Classification Sherloc (09022015). Collection method: clinical testing. Allele origin: germline.
Comment: This sequence change replaces methionine, which is neutral and non-polar, with valine, which is neutral and non-polar, at codon 246 of the CDH1 protein (p.Met246Val). This variant is not present in population databases (gnomAD no frequency). This variant has not been reported in the literature in individuals affected with CDH1-related conditions. ClinVar contains an entry for this variant (Variation ID: 963820). An algorithm developed to predict the effect of missense changes on protein structure and function (PolyPhen-2) suggests that this variant is likely to be disruptive. In summary, the available evidence is currently insufficient to determine the role of this variant in disease. Therefore, it has been classified as a Variant of Uncertain Significance.

Ambry Genetics
Classification: Uncertain significance for Hereditary cancer-predisposing syndrome. Last evaluated: 2024-01-21. Review status: criteria provided, single submitter. Criteria: Ambry Variant Classification Scheme 2023. Collection method: clinical testing. Allele origin: germline.
Comment: The p.M246V variant (also known as c.736A>G), located in coding exon 6 of the CDH1 gene, results from an A to G substitution at nucleotide position 736. The methionine at codon 246 is replaced by valine, an amino acid with highly similar properties. This amino acid position is conserved. In addition, the in silico prediction for this alteration is inconclusive. Based on the available evidence, the clinical significance of this alteration remains unclear.

GeneDx
Classification: Uncertain significance. Last evaluated: 2019-11-04. Review status: criteria provided, single submitter. Criteria: GeneDx Variant Classification Process June 2021. Collection method: clinical testing. Allele origin: germline. Affected: yes.
Comment: Not observed in large population cohorts (Lek 2016); In silico analysis, which includes protein predictors and evolutionary conservation, supports that this variant does not alter protein structure/function; Has not been previously published as pathogenic or benign to our knowledge

PreventionGenetics, part of Exact Sciences
Classification: Uncertain significance for CDH1-related condition. Last evaluated: 2024-06-06. Review status: no assertion criteria provided. Collection method: clinical testing. Allele origin: germline. Not counted in ClinVar's aggregate classification.
Comment: The CDH1 c.736A>G variant is predicted to result in the amino acid substitution p.Met246Val. To our knowledge, this variant has not been reported in the literature or in a large population database, indicating this variant is rare. This variant is listed in ClinVar as uncertain. At this time, the clinical significance of this variant is uncertain due to the absence of conclusive functional and genetic evidence.